The following is an entry in ClinVar:

ClinVar aggregate classification (germline): Uncertain significance. Review status: criteria provided, single submitter (1 of 4 stars). 2 submissions from 2 submitters: Uncertain significance (1). 1 of the submissions does not count toward it. Last evaluated 2024-08-06.

Conditions:
Wilson disease (WND). Also called: Wilson's disease. Identifiers: Orphanet 905, MedGen C0019202, MONDO:0010200, OMIM 277900. Disease mechanism: loss of function.

Allele frequency attached by ClinVar (database versions not stated): gnomAD exomes below 0.00001; TOPMed below 0.00001; gnomAD 0.00001; ExAC 0.00003.

Submissions (2):

All of Us Research Program, National Institutes of Health
Classification: Uncertain significance for Wilson disease. Last evaluated: 2024-08-06. Review status: criteria provided, single submitter. Criteria: ACMG Guidelines, 2015. Collection method: clinical testing. Allele origin: germline. Inheritance: Autosomal recessive inheritance. Observed: 1 variant allele, 1 heterozygote.
Comment: This study involves interpretation of variants in research participants for the purpose of population health screening. Participant phenotype was not available at the time of variant classification. Additional details can be found in publication PMID: 35346344, PMCID: PMC8962531

Counsyl
Classification: Uncertain significance for Wilson disease. Last evaluated: 2017-12-28. Review status: no assertion criteria provided. Collection method: clinical testing. Allele origin: unknown. Not counted in ClinVar's aggregate classification.

Literature cited by the submitters: PubMed 23518715 (cited by Counsyl).

NM_000053.4(ATP7B):c.3051G>A (p.Met1017Ile)

Gene: ATP7B (ATPase copper transporting beta; minus strand). Cytogenetic location: 13q14.3.
Variant type: single nucleotide variant.
Coding change: c.3051G>A on transcript NM_000053.4 (MANE Select); coding-DNA position 3051, G replaced by A.
Protein change: p.Met1017Ile; replaces methionine 1017 with isoleucine.
Molecular consequence: missense variant.
Genome position (GRCh38, 1-based): chr13:51,946,293, C>T on the plus strand (G>A on the coding strand, the complement: ATP7B is on the minus strand). VCF-style: chr13-51946293-C-T. GRCh37 (hg19) VCF-style: chr13-52520429-C-T.
Other names: c.2430G>A, p.Met810Ile (NM_001005918.3); c.2718G>A, p.Met906Ile (NM_001243182.2); c.2817G>A, p.Met939Ile (NM_001330578.2); c.2799G>A, p.Met933Ile (NM_001330579.2); short protein forms M1017I, M939I, M810I, M906I, M933I.
Identifiers: ClinVar variation 555818 (VCV000555818.3), dbSNP rs755851188, ClinGen allele CA6988831.